The following is an entry in ClinVar:

NM_004958.4(MTOR):c.5687G>A (p.Arg1896Gln)

Gene: MTOR (mechanistic target of rapamycin kinase; minus strand). Cytogenetic location: 1p36.22.
Variant type: single nucleotide variant.
Coding change: c.5687G>A on transcript NM_004958.4 (MANE Select); coding-DNA position 5687, G replaced by A.
Protein change: p.Arg1896Gln; replaces arginine 1896 with glutamine.
Molecular consequence: missense variant.
Genome position (GRCh38, 1-based): chr1:11,129,765, C>T on the plus strand (G>A on the coding strand, the complement: MTOR is on the minus strand). VCF-style: chr1-11129765-C-T. GRCh37 (hg19) VCF-style: chr1-11189822-C-T.
Other names: c.5687G>A, p.Arg1896Gln (NM_001386500.1); c.4439G>A, p.Arg1480Gln (NM_001386501.1); short protein forms R1480Q, R1896Q.
Identifiers: ClinVar variation 1056323 (VCV001056323.9), dbSNP rs760144268, ClinGen allele CA589270.

ClinVar aggregate classification (germline): Uncertain significance (1 of 4 stars; one submission).

Allele frequency attached by ClinVar (database versions not stated): ExAC 0.00001; gnomAD 0.00001; gnomAD exomes 0.00001 and 0.00002; TOPMed 0.00002.
gnomAD v4.1: 14 of 1,614,018 alleles (0.00087%); highest among the groups gnomAD compares: South Asian, 0.0077%; no homozygotes.

Submission:

Labcorp Genetics (formerly Invitae), Labcorp
Classification: Uncertain significance. Last evaluated: 2025-02-23. Review status: criteria provided, single submitter. Criteria: Invitae Variant Classification Sherloc (09022015). Collection method: clinical testing. Allele origin: germline.
Comment: This sequence change replaces arginine, which is basic and polar, with glutamine, which is neutral and polar, at codon 1896 of the MTOR protein (p.Arg1896Gln). This variant is present in population databases (rs760144268, gnomAD 0.01%). This variant has not been reported in the literature in individuals affected with MTOR-related conditions. ClinVar contains an entry for this variant (Variation ID: 1056323). Invitae Evidence Modeling of protein sequence and biophysical properties (such as structural, functional, and spatial information, amino acid conservation, physicochemical variation, residue mobility, and thermodynamic stability) indicates that this missense variant is not expected to disrupt MTOR protein function with a negative predictive value of 95%. In summary, the available evidence is currently insufficient to determine the role of this variant in disease. Therefore, it has been classified as a Variant of Uncertain Significance.